The following is an entry in ClinVar:

ClinVar aggregate classification (germline): Likely pathogenic (1 of 4 stars; one submission).

Conditions:
Intellectual developmental disorder, autosomal dominant 6, with or without seizures. Also called: GRIN2B-related developmental delay, intellectual disability and autism spectrum disorder; Intellectual disability, autosomal dominant 6. Identifiers: Orphanet 589547, MedGen C3151411, MONDO:0013509, OMIM 613970.
Developmental and epileptic encephalopathy, 27 (DEE27). Also called: Epileptic encephalopathy, early infantile, 27; GRIN2B-Related Neurodevelopmental Disorder. Identifiers: Orphanet 3451, MedGen C4015316, MONDO:0014505, OMIM 616139.

Submission:

Labcorp Genetics (formerly Invitae), Labcorp
Classification: Likely pathogenic for Developmental and epileptic encephalopathy, 27; Intellectual developmental disorder, autosomal dominant 6, with or without seizures. Last evaluated: 2026-01-08. Review status: criteria provided, single submitter. Criteria: Invitae Variant Classification Sherloc (09022015). Collection method: clinical testing. Allele origin: germline.
Comment: This sequence change replaces threonine, which is neutral and polar, with asparagine, which is neutral and polar, at codon 514 of the GRIN2B protein (p.Thr514Asn). This variant is not present in population databases (gnomAD no frequency). This variant has not been reported in the literature in individuals affected with GRIN2B-related conditions. ClinVar contains an entry for this variant (Variation ID: 2953439). Invitae Evidence Modeling of protein sequence and biophysical properties (such as structural, functional, and spatial information, amino acid conservation, physicochemical variation, residue mobility, and thermodynamic stability) indicates that this missense variant is expected to disrupt GRIN2B protein function with a positive predictive value of 95%. This variant disrupts the p.Thr514 amino acid residue in GRIN2B. Other variant(s) that disrupt this residue have been determined to be pathogenic (PMID: 28377535, 38380699). This suggests that this residue is clinically significant, and that variants that disrupt this residue are likely to be disease-causing. In summary, the currently available evidence indicates that the variant is pathogenic, but additional data are needed to prove that conclusively. Therefore, this variant has been classified as Likely Pathogenic.

Literature cited by the submitters: PubMed 28377535; PubMed 38380699.

NM_000834.5(GRIN2B):c.1541C>A (p.Thr514Asn)

Gene: GRIN2B (glutamate ionotropic receptor NMDA type subunit 2B; minus strand). Cytogenetic location: 12p13.1.
Variant type: single nucleotide variant.
Coding change: c.1541C>A on transcript NM_000834.5 (MANE Select); coding-DNA position 1541, C replaced by A.
Protein change: p.Thr514Asn; replaces threonine 514 with asparagine.
Molecular consequence: missense variant.
Genome position (GRCh38, 1-based): chr12:13,615,227, G>T on the plus strand (C>A on the coding strand, the complement: GRIN2B is on the minus strand). VCF-style: chr12-13615227-G-T. GRCh37 (hg19) VCF-style: chr12-13768161-G-T.
Other names: c.1541C>A, p.Thr514Asn (NM_001413992.1); short protein forms T514N.
Identifiers: ClinVar variation 2953439 (VCV002953439.3), dbSNP rs2497598211, ClinGen allele CA384051919.